The following is an entry in ClinVar:

NM_182746.3(MCM4):c.1247T>C (p.Ile416Thr)

Gene: MCM4 (minichromosome maintenance complex component 4; plus strand). Cytogenetic location: 8q11.21.
Variant type: single nucleotide variant.
Coding change: c.1247T>C on transcript NM_182746.3 (MANE Select); coding-DNA position 1247, T replaced by C.
Protein change: p.Ile416Thr; replaces isoleucine 416 with threonine.
Molecular consequence: missense variant.
Genome position (GRCh38, 1-based): chr8:47,969,870, T>C. VCF-style: chr8-47969870-T-C. GRCh37 (hg19) VCF-style: chr8-48882430-T-C.
Other names: c.1247T>C, p.Ile416Thr (NM_005914.4); short protein forms I416T.
Identifiers: ClinVar variation 1915938 (VCV001915938.3), dbSNP rs748842905, ClinGen allele CA4742572.
Genomic context (GRCh38, chr8:47,969,870, plus strand): 5'-CTGTGCCTATTCGAGTCAATCCAAGAGTGAGTAATGTGAAGTCTGTCTACAAAACCCACA[T>C]TGATGTCATTCATTATCGGAAAACGGATGCAAAACGTCTGCATGGCCTTGATGAAGAAGC-3'
Protein context (NP_877423.1, residues 406-426): SNVKSVYKTH[Ile416Thr]DVIHYRKTDA

ClinVar aggregate classification (germline): Uncertain significance (1 of 4 stars; one submission).

Allele frequency attached by ClinVar (database versions not stated): ExAC 0.00001; gnomAD exomes 0.00001; TOPMed 0.00001.
gnomAD v4.1: 14 of 1,614,210 alleles (0.00087%); highest among the groups gnomAD compares: Non-Finnish European, 0.0011%; no homozygotes.

Submission:

Labcorp Genetics (formerly Invitae), Labcorp
Classification: Uncertain significance. Last evaluated: 2025-09-10. Review status: criteria provided, single submitter. Criteria: Invitae Variant Classification Sherloc (09022015). Collection method: clinical testing. Allele origin: germline.
Comment: This sequence change replaces isoleucine, which is neutral and non-polar, with threonine, which is neutral and polar, at codon 416 of the MCM4 protein (p.Ile416Thr). This variant is present in population databases (rs748842905, gnomAD 0.0009%). This variant has not been reported in the literature in individuals affected with MCM4-related conditions. ClinVar contains an entry for this variant (Variation ID: 1915938). Invitae Evidence Modeling of protein sequence and biophysical properties (such as structural, functional, and spatial information, amino acid conservation, physicochemical variation, residue mobility, and thermodynamic stability) indicates that this missense variant is expected to disrupt MCM4 protein function with a positive predictive value of 80%. In summary, the available evidence is currently insufficient to determine the role of this variant in disease. Therefore, it has been classified as a Variant of Uncertain Significance.